The following is an entry in ClinVar:

ClinVar aggregate classification (germline): Uncertain significance. Review status: criteria provided, multiple submitters, no conflicts (2 of 4 stars). 2 submissions from 2 submitters: Uncertain significance (2). Last evaluated 2023-05-06.

Conditions:
Dextro-looped transposition of the great arteries. Also called: Dextrotransposition of the great arteries. Identifiers: Orphanet 860, MedGen C3531771, MONDO:0019443, OMIM 608808, HP:0031348.
MED13L-related disorder. Also called: MED13L-related condition.

Allele frequency attached by ClinVar (database versions not stated): gnomAD exomes below 0.00001; TOPMed below 0.00001; gnomAD 0.00001.
gnomAD v4.1: 3 of 1,608,934 alleles (0.00019%); highest among the groups gnomAD compares: East Asian, 0.0045%; no homozygotes.

Submissions (2):

Labcorp Genetics (formerly Invitae), Labcorp
Classification: Uncertain significance for Dextro-looped transposition of the great arteries. Last evaluated: 2023-05-06. Review status: criteria provided, single submitter. Criteria: Invitae Variant Classification Sherloc (09022015). Collection method: clinical testing. Allele origin: germline.
Comment: This sequence change replaces arginine, which is basic and polar, with lysine, which is basic and polar, at codon 427 of the MED13L protein (p.Arg427Lys). This variant also falls at the last nucleotide of exon 9, which is part of the consensus splice site for this exon. This variant is not present in population databases (gnomAD no frequency). This variant has not been reported in the literature in individuals affected with MED13L-related conditions. Experimental studies and prediction algorithms are not available or were not evaluated, and the functional significance of this variant is currently unknown. Variants that disrupt the consensus splice site are a relatively common cause of aberrant splicing (PMID: 17576681, 9536098). Algorithms developed to predict the effect of sequence changes on RNA splicing suggest that this variant may create or strengthen a splice site. In summary, the available evidence is currently insufficient to determine the role of this variant in disease. Therefore, it has been classified as a Variant of Uncertain Significance.

PreventionGenetics, part of Exact Sciences
Classification: Uncertain significance for MED13L-related condition. Last evaluated: 2023-04-19. Review status: criteria provided, single submitter. Criteria: ACMG Guidelines, 2015. Collection method: clinical testing. Allele origin: germline.
Comment: The MED13L c.1280G>A variant is predicted to result in the amino acid substitution p.Arg427Lys. To our knowledge, this variant has not been reported in the literature or in a large population database, indicating this variant is rare. This variant is located at the last base of an exon, and is predicted to diminish the canonical splice donor signal at that exon-intron boundary (Alamut Visual Plus v1.6.1). At this time, the clinical significance of this variant is uncertain due to the absence of conclusive functional and genetic evidence.

Literature cited by the submitters: PubMed 17576681 (cited by Labcorp Genetics (formerly Invitae), Labcorp); PubMed 9536098 (cited by Labcorp Genetics (formerly Invitae), Labcorp).

NM_015335.5(MED13L):c.1280G>A (p.Arg427Lys)

Gene: MED13L (mediator complex subunit 13L; minus strand). Cytogenetic location: 12q24.21.
Variant type: single nucleotide variant.
Coding change: c.1280G>A on transcript NM_015335.5 (MANE Select); coding-DNA position 1280, G replaced by A.
Protein change: p.Arg427Lys; replaces arginine 427 with lysine.
Molecular consequence: missense variant.
Genome position (GRCh38, 1-based): chr12:116,012,797, C>T on the plus strand (G>A on the coding strand, the complement: MED13L is on the minus strand). VCF-style: chr12-116012797-C-T. GRCh37 (hg19) VCF-style: chr12-116450602-C-T.
Other names: short protein forms R427K.
Identifiers: ClinVar variation 2636636 (VCV002636636.4), dbSNP rs1221238607, ClinGen allele CA386898167.